The following is an entry in ClinVar:

NM_000962.4(PTGS1):c.1342G>A (p.Val448Met)

Gene: PTGS1 (prostaglandin-endoperoxide synthase 1; plus strand). Cytogenetic location: 9q33.2.
Variant type: single nucleotide variant.
Coding change: c.1342G>A on transcript NM_000962.4 (MANE Select); coding-DNA position 1342, G replaced by A.
Protein change: p.Val448Met; replaces valine 448 with methionine.
Molecular consequence: missense variant.
Genome position (GRCh38, 1-based): chr9:122,390,243, G>A. VCF-style: chr9-122390243-G-A. GRCh37 (hg19) VCF-style: chr9-125152522-G-A.
Other names: c.1198G>A, p.Val400Met (NM_001271164.2); c.1015G>A, p.Val339Met (NM_001271165.2); c.904G>A, p.Val302Met (NM_001271166.2, NM_001271367.2); c.1156G>A, p.Val386Met (NM_001271368.2); c.1231G>A, p.Val411Met (NM_080591.3); short protein forms V302M, V339M, V386M, V400M, V411M, V448M.
Identifiers: ClinVar variation 3053416 (VCV003053416.2), dbSNP rs186089151, ClinGen allele CA5225086.
Genomic context (GRCh38, chr9:122,390,243, plus strand): 5'-CTTCTCTCTCGGCAGATCGGTGGGGGCAGGAACATGGACCACCACATCCTGCATGTGGCT[G>A]TGGATGTCATCAGGGAGTCTCGGGAGATGCGGCTGCAGCCCTTCAATGAGTACCGCAAGA-3'
Protein context (NP_000953.2, residues 438-458): NMDHHILHVA[Val448Met]DVIRESREMR

ClinVar aggregate classification (germline): Likely benign (0 of 4 stars; one submission).

Conditions:
PTGS1-related disorder. Also called: PTGS1-related condition.

Allele frequency attached by ClinVar (database versions not stated): ESP Exome Variant Server 0.00008; gnomAD exomes 0.00016; gnomAD 0.00025; ExAC 0.00028; TOPMed 0.00031; 1000 Genomes Project 0.00060; 1000 Genomes Project 30x 0.00062.
gnomAD v4.1: 284 of 1,614,176 alleles (0.018%); highest among the groups gnomAD compares: East Asian, 0.38%; no homozygotes.

Submission:

PreventionGenetics, part of Exact Sciences
Classification: Likely benign for PTGS1-related condition. Last evaluated: 2023-07-09. Review status: no assertion criteria provided. Collection method: clinical testing. Allele origin: germline.
Comment: This variant is classified as likely benign based on ACMG/AMP sequence variant interpretation guidelines (Richards et al. 2015 PMID: 25741868, with internal and published modifications).